The following is an entry in ClinVar:

NC_000001.10:g.(?_216536920)_(216538298_?)del

Gene: USH2A (usherin; minus strand). Cytogenetic location: 1q41.
Variant type: Deletion.
Identifiers: ClinVar variation 3248087 (VCV003248087.1).

ClinVar aggregate classification (germline): Pathogenic (1 of 4 stars; one submission).

Submission:

Labcorp Genetics (formerly Invitae), Labcorp
Classification: Pathogenic. Last evaluated: 2024-01-15. Review status: criteria provided, single submitter. Criteria: Invitae Variant Classification Sherloc (09022015). Collection method: clinical testing. Allele origin: unknown.
Comment: This variant results in the deletion of part of exon 4 (c.781_784+1375del) of the USH2A gene. It is expected to disrupt RNA splicing. Variants that disrupt the donor or acceptor splice site typically lead to a loss of protein function (PMID: 16199547), and loss-of-function variants in USH2A are known to be pathogenic (PMID: 10729113, 10909849, 20507924, 25649381). This variant has been observed in individual(s) with retinitis pigmentosa and/or Usher syndrome (PMID: 23924366; Invitae). In at least one individual the data is consistent with being in trans (on the opposite chromosome) from a pathogenic variant. ClinVar contains an entry for this variant (Variation ID: 856759). For these reasons, this variant has been classified as Pathogenic.

Literature cited by the submitters: PubMed 16199547; PubMed 10729113; PubMed 10909849; PubMed 20507924; PubMed 25649381; PubMed 23924366.